The following is an entry in ClinVar:

ClinVar aggregate classification (germline): Uncertain significance (1 of 4 stars; one submission).

Conditions:
EPILEPSY, CHILDHOOD ABSENCE, SUSCEPTIBILITY TO, 2 (ECA2). Identifiers: Orphanet 64280, MedGen C1843244, OMIM 607681.
Febrile seizures, familial, 8 (FEB8). Also called: CONVULSIONS, FAMILIAL FEBRILE, 8. Identifiers: Orphanet 36387, MedGen C1969810, MONDO:0011891, OMIM 607681.

Allele frequency attached by ClinVar (database versions not stated): TOPMed below 0.00001; gnomAD exomes 0.00001.

Submission:

Labcorp Genetics (formerly Invitae), Labcorp
Classification: Uncertain significance for Febrile seizures, familial, 8; EPILEPSY, CHILDHOOD ABSENCE, SUSCEPTIBILITY TO, 2. Last evaluated: 2024-05-20. Review status: criteria provided, single submitter. Criteria: Invitae Variant Classification Sherloc (09022015). Collection method: clinical testing. Allele origin: germline.
Comment: This sequence change affects the initiator methionine of the GABRG2 mRNA. The next in-frame methionine is located at codon 23. This variant is not present in population databases (gnomAD no frequency). This variant has not been reported in the literature in individuals affected with GABRG2-related conditions. ClinVar contains an entry for this variant (Variation ID: 1479603). Experimental studies and prediction algorithms are not available or were not evaluated, and the functional significance of this variant is currently unknown. In summary, the available evidence is currently insufficient to determine the role of this variant in disease. Therefore, it has been classified as a Variant of Uncertain Significance.

NM_198904.4(GABRG2):c.3G>T (p.Met1Ile)

Gene: GABRG2 (gamma-aminobutyric acid type A receptor subunit gamma2; plus strand). Cytogenetic location: 5q34.
Variant type: single nucleotide variant.
Coding change: c.3G>T on transcript NM_198904.4 (MANE Select); coding-DNA position 3, G replaced by T.
Protein change: p.Met1Ile; changes the start codon (methionine 1).
Molecular consequence: missense variant, initiator codon variant. On other transcripts: 5 prime UTR variant (3), intron variant (3).
Genome position (GRCh38, 1-based): chr5:162,068,002, G>T. VCF-style: chr5-162068002-G-T. GRCh37 (hg19) VCF-style: chr5-161495008-G-T.
Other names: c.3G>T, p.Met1Ile (NM_000816.3, NM_001375339.1, NM_001375340.1 and 5 more transcripts); c.-356G>T (NM_001375348.1, NM_001375350.1); c.-404G>T (NM_001375349.1); c.-3-61G>T (NM_001375346.1, NM_001375345.1); c.20+361G>T (NM_001375347.1); short protein forms M1I.
Identifiers: ClinVar variation 1479603 (VCV001479603.7), dbSNP rs1758351092, ClinGen allele CA362181706.
Genomic context (GRCh38, chr5:162,068,002, plus strand): 5'-GGAGGGATTCTTCTGCAACCAAGAGGCAAGAGGCGAGAGAAGGAAAAAAAAAAAAGCGAT[G>T]AGTTCGCCAAATATATGGAGCACAGGAAGCTCAGTCTACTCGACTCCTGTATTTTCACAG-3'
Protein context (NP_944494.1, residues 1-11): [Met1Ile]SSPNIWSTGS